The following is an entry in ClinVar:

NM_001374259.2(IL12RB2):c.1328C>G (p.Pro443Arg)

Gene: IL12RB2 (interleukin 12 receptor subunit beta 2; plus strand). Cytogenetic location: 1p31.3.
Variant type: single nucleotide variant.
Coding change: c.1328C>G on transcript NM_001374259.2 (MANE Select); coding-DNA position 1328, C replaced by G.
Protein change: p.Pro443Arg; replaces proline 443 with arginine.
Molecular consequence: missense variant. On other transcripts: non-coding transcript variant (2).
Genome position (GRCh38, 1-based): chr1:67,367,894, C>G. VCF-style: chr1-67367894-C-G. GRCh37 (hg19) VCF-style: chr1-67833577-C-G.
Other names: c.1328C>G, p.Pro443Arg (NM_001258214.1, NM_001258215.1, NM_001258216.1 and 2 more transcripts); short protein forms P443R.
Identifiers: ClinVar variation 1423770 (VCV001423770.8), dbSNP rs2100984986, ClinGen allele CA340738020.

ClinVar aggregate classification (germline): Uncertain significance (1 of 4 stars; one submission).

Submission:

Labcorp Genetics (formerly Invitae), Labcorp
Classification: Uncertain significance. Last evaluated: 2022-07-25. Review status: criteria provided, single submitter. Criteria: Invitae Variant Classification Sherloc (09022015). Collection method: clinical testing. Allele origin: germline.
Comment: This variant has not been reported in the literature in individuals affected with IL12RB2-related conditions. This variant is not present in population databases (gnomAD no frequency). This sequence change replaces proline, which is neutral and non-polar, with arginine, which is basic and polar, at codon 443 of the IL12RB2 protein (p.Pro443Arg). ClinVar contains an entry for this variant (Variation ID: 1423770). In summary, the available evidence is currently insufficient to determine the role of this variant in disease. Therefore, it has been classified as a Variant of Uncertain Significance. Algorithms developed to predict the effect of missense changes on protein structure and function are either unavailable or do not agree on the potential impact of this missense change (SIFT: "Tolerated"; PolyPhen-2: "Probably Damaging"; Align-GVGD: "Class C0").